The following is an entry in ClinVar:

ClinVar aggregate classification (germline): Uncertain significance (1 of 4 stars; one submission).

Submission:

Ambry Genetics
Classification: Uncertain significance. Last evaluated: 2023-07-10. Review status: criteria provided, single submitter. Criteria: Ambry Variant Classification Scheme 2023. Collection method: clinical testing. Allele origin: germline.
Comment: The p.N493T variant (also known as c.1478A>C), located in coding exon 8 of the PKP4 gene, results from an A to C substitution at nucleotide position 1478. The asparagine at codon 493 is replaced by threonine, an amino acid with similar properties. This amino acid position is conserved. In addition, this alteration is predicted to be tolerated by in silico analysis. Since supporting evidence is limited at this time, the clinical significance of this alteration remains unclear.

NM_003628.6(PKP4):c.1478A>C (p.Asn493Thr)

Gene: PKP4 (plakophilin 4; plus strand). Cytogenetic location: 2q24.1.
Variant type: single nucleotide variant.
Coding change: c.1478A>C on transcript NM_003628.6 (MANE Select); coding-DNA position 1478, A replaced by C.
Protein change: p.Asn493Thr; replaces asparagine 493 with threonine.
Molecular consequence: missense variant.
Genome position (GRCh38, 1-based): chr2:158,634,205, A>C. VCF-style: chr2-158634205-A-C. GRCh37 (hg19) VCF-style: chr2-159490717-A-C.
Other names: c.1478A>C, p.Asn493Thr (NM_001005476.4, NM_001304971.2, NM_001377218.1 and 1 more transcripts); c.1475A>C, p.Asn492Thr (NM_001304969.3, NM_001377219.1, NM_001377220.1 and 2 more transcripts); c.449A>C, p.Asn150Thr (NM_001304970.3); c.1472A>C, p.Asn491Thr (NM_001377222.1, NM_001377223.1); c.1469A>C, p.Asn490Thr (NM_001377224.1); short protein forms N490T, N150T, N491T, N493T, N492T.
Identifiers: ClinVar variation 2625286 (VCV002625286.2), dbSNP rs767750304, ClinGen allele CA348909917.
Genomic context (GRCh38, chr2:158,634,205, plus strand): 5'-ACACAACAGCTACCTACGCGGAGCCCTACAGGCCTATACAATACCGAGTGCAAGAGTGCA[A>C]TTATAACAGGCTTCAGCATGCAGTGCCGGCTGATGATGGCACCACAAGATCCCCATCAAT-3'
Protein context (NP_003619.2, residues 483-503): RPIQYRVQEC[Asn493Thr]YNRLQHAVPA